The following is an entry in ClinVar:

NM_000090.4(COL3A1):c.745-7T>C

Gene: COL3A1 (collagen type III alpha 1 chain; plus strand). Cytogenetic location: 2q32.2.
Variant type: single nucleotide variant.
Coding change: c.745-7T>C on transcript NM_000090.4 (MANE Select); 7 bases into the intron before coding-DNA position 745, T replaced by C.
Molecular consequence: intron variant.
Genome position (GRCh38, 1-based): chr2:188,990,300, T>C. VCF-style: chr2-188990300-T-C. GRCh37 (hg19) VCF-style: chr2-189855026-T-C.
Identifiers: ClinVar variation 507700 (VCV000507700.16), dbSNP rs776306752, ClinGen allele CA076870.
Genomic context (GRCh38, chr2:188,990,300, plus strand): 5'-GTGTTTTACTACTAGATTGTGATTCTATTTGAAGGTTCATTAATATTTTTTCATTCATTA[T>C]TTTTAGGGTATCAAAGGTCCAGCTGGGATACCTGGATTCCCTGGTATGAAAGGACACAGA-3'

ClinVar aggregate classification (germline): Likely benign. Review status: criteria provided, multiple submitters, no conflicts (2 of 4 stars). 5 submissions from 5 submitters: Likely benign (5). Last evaluated 2026-01-31.

Conditions:
Ehlers-Danlos syndrome, type 4 (EDSVASC). Also called: Ehlers-Danlos syndrome vascular type; Ehlers Danlos syndrome, ecchymotic type; Ehlers Danlos syndrome, arterial type; Ehlers Danlos syndrome, Sack-Barabas type; Ehlers-Danlos Syndrome Type IV. Identifiers: Orphanet 286, MedGen C0268338, MONDO:0017314, OMIM 130050.
Familial thoracic aortic aneurysm and aortic dissection (TAAD). Also called: Thoracic aortic aneurysms and dissections. Identifiers: Orphanet 91387, MedGen C4707243, MONDO:0019625.

Allele frequency attached by ClinVar (database versions not stated): ExAC 0.00001; gnomAD exomes 0.00001 and 0.00002; TOPMed 0.00002.
gnomAD v4.1: 27 of 1,611,544 alleles (0.0017%); highest among the groups gnomAD compares: Middle Eastern, 0.017%; no homozygotes.

Submissions (5):

Labcorp Genetics (formerly Invitae), Labcorp
Classification: Likely benign for Ehlers-Danlos syndrome, type 4. Last evaluated: 2026-01-31. Review status: criteria provided, single submitter. Criteria: Invitae Variant Classification Sherloc (09022015). Collection method: clinical testing. Allele origin: germline.

Women's Health and Genetics/Laboratory Corporation of America, LabCorp
Classification: Likely benign. Last evaluated: 2025-04-23. Review status: criteria provided, single submitter. Criteria: LabCorp Variant Classification Summary - May 2015. Collection method: clinical testing. Allele origin: germline.
Comment: Variant summary: COL3A1 c.745-7T>C alters a nucleotide located at a position not widely known to affect splicing. Consensus agreement among computation tools predict no significant impact on normal splicing. However, these predictions have yet to be confirmed by functional studies. The variant allele was found at a frequency of 8e-06 in 249690 control chromosomes. The available data on variant occurrences in the general population are insufficient to allow any conclusion about variant significance. c.745-7T>C has been reported in an individual with a clinical diagnosis of aortopathy (Wooderchak-Donahue_2012). These report(s) do not provide unequivocal conclusions about association of the variant with Ehlers-Danlos Syndrome, Vascular Type. To our knowledge, no experimental evidence demonstrating an impact on protein function has been reported. The following publication have been ascertained in the context of this evaluation (PMID: 23148498). ClinVar contains an entry for this variant (Variation ID: 507700). Based on the evidence outlined above, the variant was classified as likely benign.

All of Us Research Program, National Institutes of Health
Classification: Likely benign for Ehlers-Danlos syndrome, type 4. Last evaluated: 2024-01-11. Review status: criteria provided, single submitter. Criteria: ACMG Guidelines, 2015. Collection method: clinical testing. Allele origin: germline. Inheritance: Autosomal dominant inheritance. Observed: 6 variant alleles, 6 heterozygotes.
Comment: This study involves interpretation of variants in research participants for the purpose of population health screening. Participant phenotype was not available at the time of variant classification. Additional details can be found in publication PMID: 35346344, PMCID: PMC8962531

Color Diagnostics, LLC DBA Color Health
Classification: Likely benign for Familial thoracic aortic aneurysm and aortic dissection. Last evaluated: 2020-09-04. Review status: criteria provided, single submitter. Criteria: ACMG Guidelines, 2015. Collection method: clinical testing. Allele origin: germline.

GeneDx
Classification: Likely benign. Last evaluated: 2017-03-03. Review status: criteria provided, single submitter. Criteria: GeneDx Variant Classification (06012015). Collection method: clinical testing. Allele origin: germline. Affected: yes.
Comment: This variant is considered likely benign or benign based on one or more of the following criteria: it is a conservative change, it occurs at a poorly conserved position in the protein, it is predicted to be benign by multiple in silico algorithms, and/or has population frequency not consistent with disease.

Literature cited by the submitters: PubMed 23148498 (cited by Women's Health and Genetics/Laboratory Corporation of America, LabCorp).